The following is an entry in ClinVar:

NM_006231.4(POLE):c.6785C>T (p.Ala2262Val)

Gene: POLE (DNA polymerase epsilon, catalytic subunit; minus strand). Cytogenetic location: 12q24.33.
Variant type: single nucleotide variant.
Coding change: c.6785C>T on transcript NM_006231.4 (MANE Select); coding-DNA position 6785, C replaced by T.
Protein change: p.Ala2262Val; replaces alanine 2262 with valine.
Molecular consequence: missense variant.
Genome position (GRCh38, 1-based): chr12:132,624,773, G>A on the plus strand (C>T on the coding strand, the complement: POLE is on the minus strand). VCF-style: chr12-132624773-G-A. GRCh37 (hg19) VCF-style: chr12-133201359-G-A.
Other names: c.6785C>T (NM_006231.2); short protein forms A2262V.
Identifiers: ClinVar variation 838453 (VCV000838453.10), dbSNP rs2041795223, ClinGen allele CA387365801.

ClinVar aggregate classification (germline): Uncertain significance. Review status: criteria provided, multiple submitters, no conflicts (2 of 4 stars). 2 submissions from 2 submitters: Uncertain significance (2). Last evaluated 2024-04-01.

Conditions:
Hereditary cancer-predisposing syndrome. Also called: Neoplastic Syndromes, Hereditary; Tumor predisposition; Hereditary neoplastic syndrome; Hereditary Cancer Syndrome. Identifiers: Orphanet 140162, MedGen C0027672, MeSH D009386, MONDO:0015356.

Submissions (2):

Ambry Genetics
Classification: Uncertain significance for Hereditary cancer-predisposing syndrome. Last evaluated: 2024-04-01. Review status: criteria provided, single submitter. Criteria: Ambry Variant Classification Scheme 2023. Collection method: clinical testing. Allele origin: germline.
Comment: The p.A2262V variant (also known as c.6785C>T), located in coding exon 49 of the POLE gene, results from a C to T substitution at nucleotide position 6785. The alanine at codon 2262 is replaced by valine, an amino acid with similar properties. This amino acid position is conserved. In addition, the in silico prediction for this alteration is inconclusive. Based on the available evidence, the clinical significance of this alteration remains unclear.

Labcorp Genetics (formerly Invitae), Labcorp
Classification: Uncertain significance. Last evaluated: 2022-11-12. Review status: criteria provided, single submitter. Criteria: Invitae Variant Classification Sherloc (09022015). Collection method: clinical testing. Allele origin: germline.
Comment: In summary, the available evidence is currently insufficient to determine the role of this variant in disease. Therefore, it has been classified as a Variant of Uncertain Significance. ClinVar contains an entry for this variant (Variation ID: 838453). This variant has not been reported in the literature in individuals affected with POLE-related conditions. This variant is not present in population databases (gnomAD no frequency). This sequence change replaces alanine, which is neutral and non-polar, with valine, which is neutral and non-polar, at codon 2262 of the POLE protein (p.Ala2262Val). Advanced modeling of protein sequence and biophysical properties (such as structural, functional, and spatial information, amino acid conservation, physicochemical variation, residue mobility, and thermodynamic stability) performed at Invitae indicates that this missense variant is expected to disrupt POLE protein function.